The following is an entry in ClinVar:

ClinVar aggregate classification (germline): Uncertain significance (1 of 4 stars; one submission).

Submission:

GeneDx
Classification: Uncertain significance. Last evaluated: 2026-02-12. Review status: criteria provided, single submitter. Criteria: GeneDx Variant Classification Process June 2021. Collection method: clinical testing. Allele origin: germline.
Comment: In silico analysis suggests that this missense variant does not alter protein structure/function; Has not been previously published as pathogenic or benign to our knowledge

NM_001081550.2(THOC2):c.679T>C (p.Phe227Leu)

Gene: THOC2 (THO complex subunit 2; minus strand). Cytogenetic location: Xq25.
Variant type: single nucleotide variant.
Coding change: c.679T>C on transcript NM_001081550.2 (MANE Select); coding-DNA position 679, T replaced by C.
Protein change: p.Phe227Leu; replaces phenylalanine 227 with leucine.
Molecular consequence: missense variant.
Genome position (GRCh38, 1-based): chrX:123,686,637, A>G on the plus strand (T>C on the coding strand, the complement: THOC2 is on the minus strand). VCF-style: chrX-123686637-A-G. GRCh37 (hg19) VCF-style: chrX-122820487-A-G.
Other names: c.679T>C, p.Phe227Leu (NM_001441235.1, NM_001441236.1); short protein forms F227L.
Identifiers: ClinVar variation 4976373 (VCV004976373.1).